The following is an entry in ClinVar:

ClinVar aggregate classification (germline): Conflicting classifications of pathogenicity. Review status: criteria provided, conflicting classifications (1 of 4 stars). 3 submissions from 3 submitters: Uncertain significance (1); Likely benign (1). 1 of the submissions does not count toward it. Last evaluated 2026-04-03.

Conditions:
Familial melanoma. Also called: Hereditary melanoma; Hereditary cutaneous melanoma. Identifiers: Orphanet 618, MedGen C1512419, MONDO:0018961.
Hereditary cancer-predisposing syndrome. Also called: Tumor predisposition; Hereditary neoplastic syndrome; Neoplastic Syndromes, Hereditary; Hereditary Cancer Syndrome. Identifiers: Orphanet 140162, MedGen C0027672, MeSH D009386, MONDO:0015356.

Allele frequency attached by ClinVar (database versions not stated): TOPMed 0.00001.

Submissions (3):

Ambry Genetics
Classification: Uncertain significance for Hereditary cancer-predisposing syndrome. Last evaluated: 2026-04-03. Review status: criteria provided, single submitter. Criteria: Ambry Variant Classification Scheme 2023. Collection method: clinical testing. Allele origin: germline.
Comment: The c.297G>T variant (also known as p.R99R), located in coding exon 2 of the CDKN2A gene, results from a G to T substitution at nucleotide position 297. This nucleotide substitution does not change the amino acid at codon 99 of the p16 isoform. Of note, this variant is also known as p.G114C (c.340G>T)in the p14(ARF) isoform and results from a glycine to cysteine substitution at amino acid position 114. The evidence supporting a relationship between p14(ARF) and melanoma-pancreatic cancer syndrome is limited; therefore, the association of this variant with this gene-disease relationship is unknown. However, the association of this variant in the p16 isoform with melanoma-pancreatic cancer syndrome is unlikely.

Labcorp Genetics (formerly Invitae), Labcorp
Classification: Likely benign for Familial melanoma. Last evaluated: 2020-12-31. Review status: criteria provided, single submitter. Criteria: Invitae Variant Classification Sherloc (09022015). Collection method: clinical testing. Allele origin: germline.

ITMI
No classification provided. Condition: AllHighlyPenetrant. Last evaluated: 2013-09-19. Review status: no classification provided. Collection method: reference population. Allele origin: germline. Not counted in ClinVar's aggregate classification.
Comment: Please see associated publication for description of ethnicities

Literature cited by the submitters: PubMed 24728327 (cited by ITMI).

NM_000077.5(CDKN2A):c.297G>T (p.Arg99=)

Gene: CDKN2A (cyclin dependent kinase inhibitor 2A; minus strand). Cytogenetic location: 9p21.3.
Variant type: single nucleotide variant.
Coding change: c.297G>T on transcript NM_000077.5; coding-DNA position 297, G replaced by T.
Protein change: p.Arg99=; no amino-acid change (arginine 99 retained).
Molecular consequence: synonymous variant (on NM_000077.6). On other transcripts: missense variant (1), 3 prime UTR variant (1).
Genome position (GRCh38, 1-based): chr9:21,971,062, C>A on the plus strand (G>T on the coding strand, the complement: CDKN2A is on the minus strand). VCF-style: chr9-21971062-C-A. GRCh37 (hg19) VCF-style: chr9-21971061-C-A.
Other names: c.297G>T, p.Arg99= (NM_000077.6, NM_001195132.2); c.144G>T, p.Arg48= (NM_001363763.2); c.340G>T, p.Gly114Cys (NM_058195.4); c.*220G>T (NM_058197.5); short protein forms G114C.
Identifiers: ClinVar variation 133883 (VCV000133883.16), dbSNP rs587778191, ClinGen allele CA158079.